The following is an entry in ClinVar:

NM_000138.5(FBN1):c.1717A>G (p.Met573Val)

Gene: FBN1 (fibrillin 1; minus strand). Cytogenetic location: 15q21.1.
Variant type: single nucleotide variant.
Coding change: c.1717A>G on transcript NM_000138.5 (MANE Select); coding-DNA position 1717, A replaced by G.
Protein change: p.Met573Val; replaces methionine 573 with valine.
Molecular consequence: missense variant.
Genome position (GRCh38, 1-based): chr15:48,508,702, T>C on the plus strand (A>G on the coding strand, the complement: FBN1 is on the minus strand). VCF-style: chr15-48508702-T-C. GRCh37 (hg19) VCF-style: chr15-48800899-T-C.
Other names: c.1717A>G, p.Met573Val (NM_001406716.1); short protein forms M573V.
Identifiers: ClinVar variation 2924353 (VCV002924353.3), dbSNP rs1338923661, ClinGen allele CA392340706.

ClinVar aggregate classification (germline): Uncertain significance (1 of 4 stars; one submission).

Conditions:
Marfan syndrome (MFS). Also called: MARFAN SYNDROME, TYPE I; Marfan syndrome type 1; Marfan's syndrome; Marfan syndrome, classic; FBN1-Related Marfan Syndrome. Identifiers: Orphanet 284963, Orphanet 558, MedGen C0024796, MONDO:0007947, OMIM 154700.
Familial thoracic aortic aneurysm and aortic dissection (TAAD). Also called: Thoracic aortic aneurysms and dissections. Identifiers: Orphanet 91387, MedGen C4707243, MONDO:0019625.

Allele frequency attached by ClinVar (database versions not stated): gnomAD exomes below 0.00001.
gnomAD v4.1: 1 of 1,613,620 alleles (0.000062%); highest among the groups gnomAD compares: Non-Finnish European, 0.000085%; no homozygotes.

Submission:

Labcorp Genetics (formerly Invitae), Labcorp
Classification: Uncertain significance for Marfan syndrome; Familial thoracic aortic aneurysm and aortic dissection. Last evaluated: 2023-08-14. Review status: criteria provided, single submitter. Criteria: Invitae Variant Classification Sherloc (09022015). Collection method: clinical testing. Allele origin: germline.
Comment: In summary, the available evidence is currently insufficient to determine the role of this variant in disease. Therefore, it has been classified as a Variant of Uncertain Significance. An algorithm developed to predict the effect of missense changes on protein structure and function (PolyPhen-2) suggests that this variant is likely to be tolerated. This variant has not been reported in the literature in individuals affected with FBN1-related conditions. This variant is present in population databases (no rsID available, gnomAD 0.007%). This sequence change replaces methionine, which is neutral and non-polar, with valine, which is neutral and non-polar, at codon 573 of the FBN1 protein (p.Met573Val).